The following is an entry in ClinVar:

NM_007327.4(GRIN1):c.1114-5C>T

Gene: GRIN1 (glutamate ionotropic receptor NMDA type subunit 1; plus strand). Cytogenetic location: 9q34.3.
Variant type: single nucleotide variant.
Coding change: c.1114-5C>T on transcript NM_007327.4 (MANE Select); 5 bases into the intron before coding-DNA position 1114, C replaced by T.
Molecular consequence: intron variant.
Genome position (GRCh38, 1-based): chr9:137,158,616, C>T. VCF-style: chr9-137158616-C-T. GRCh37 (hg19) VCF-style: chr9-140053068-C-T.
Other names: c.1177-5C>T (NM_001185090.2, NM_001185091.2); c.1114-5C>T (NM_021569.4, NM_000832.7).
Identifiers: ClinVar variation 508899 (VCV000508899.1), dbSNP rs1554769139, ClinGen allele CA658797380.

ClinVar aggregate classification (germline): Likely benign (1 of 4 stars; one submission).

Submission:

GeneDx
Classification: Likely benign. Last evaluated: 2017-04-14. Review status: criteria provided, single submitter. Criteria: GeneDx Variant Classification (06012015). Collection method: clinical testing. Allele origin: germline. Affected: yes.
Comment: This variant is considered likely benign or benign based on one or more of the following criteria: it is a conservative change, it occurs at a poorly conserved position in the protein, it is predicted to be benign by multiple in silico algorithms, and/or has population frequency not consistent with disease.